The following is an entry in ClinVar:

ClinVar aggregate classification (germline): Uncertain significance (1 of 4 stars; one submission).

Conditions:
Inborn genetic diseases. Identifiers: MedGen C0950123, MeSH D030342.

Submission:

Ambry Genetics
Classification: Uncertain significance for Inborn genetic diseases. Last evaluated: 2025-07-28. Review status: criteria provided, single submitter. Criteria: Ambry Variant Classification Scheme 2023. Collection method: clinical testing. Allele origin: germline.
Comment: The p.Y587D variant (also known as c.1759T>G), located in coding exon 1 of the SAMD9L gene, results from a T to G substitution at nucleotide position 1759. The tyrosine at codon 587 is replaced by aspartic acid, an amino acid with highly dissimilar properties. This amino acid position is conserved. In addition, this alteration is predicted to be tolerated by in silico analysis. Based on the available evidence, the clinical significance of this variant remains unclear.

NM_152703.5(SAMD9L):c.1759T>G (p.Tyr587Asp)

Gene: SAMD9L (sterile alpha motif domain containing 9 like; minus strand). Cytogenetic location: 7q21.2.
Variant type: single nucleotide variant.
Coding change: c.1759T>G on transcript NM_152703.5 (MANE Select); coding-DNA position 1759, T replaced by G.
Protein change: p.Tyr587Asp; replaces tyrosine 587 with aspartic acid.
Molecular consequence: missense variant.
Genome position (GRCh38, 1-based): chr7:93,134,213, A>C on the plus strand (T>G on the coding strand, the complement: SAMD9L is on the minus strand). VCF-style: chr7-93134213-A-C. GRCh37 (hg19) VCF-style: chr7-92763526-A-C.
Other names: c.1759T>G, p.Tyr587Asp (NM_001303496.3, NM_001303497.3, NM_001303498.3 and 5 more transcripts); short protein forms Y587D.
Identifiers: ClinVar variation 4159360 (VCV004159360.1).